The following is an entry in ClinVar:

ClinVar aggregate classification (germline): Uncertain significance. Review status: criteria provided, multiple submitters, no conflicts (2 of 4 stars). 2 submissions from 2 submitters: Uncertain significance (2). Last evaluated 2025-11-04.

Conditions:
Hereditary cancer-predisposing syndrome. Also called: Hereditary neoplastic syndrome; Neoplastic Syndromes, Hereditary; Tumor predisposition; Hereditary Cancer Syndrome. Identifiers: Orphanet 140162, MedGen C0027672, MeSH D009386, MONDO:0015356.
Hereditary breast ovarian cancer syndrome. Also called: Hereditary breast and ovarian cancer syndrome (HBOC); Breast and ovarian cancer; Hereditary breast and/or ovarian cancer syndrome; BRCA1- and BRCA2-Associated Hereditary Breast and Ovarian Cancer; Hereditary breast and ovarian cancer syndrome; Hereditary breast and ovarian cancer. Identifiers: Orphanet 145, MedGen C0677776, MeSH D061325, MONDO:0003582. Disease mechanism: loss of function.

gnomAD v4.1: 1 of 1,613,974 alleles (0.000062%); highest among the groups gnomAD compares: Non-Finnish European, 0.000085%; no homozygotes.

Submissions (2):

Labcorp Genetics (formerly Invitae), Labcorp
Classification: Uncertain significance for Hereditary breast ovarian cancer syndrome. Last evaluated: 2025-11-04. Review status: criteria provided, single submitter. Criteria: Invitae Variant Classification Sherloc (09022015). Collection method: clinical testing. Allele origin: germline.
Comment: This sequence change replaces leucine, which is neutral and non-polar, with methionine, which is neutral and non-polar, at codon 1605 of the BRCA1 protein (p.Leu1605Met). This variant is not present in population databases (gnomAD no frequency). This variant has not been reported in the literature in individuals affected with BRCA1-related conditions. ClinVar contains an entry for this variant (Variation ID: 185823). Invitae Evidence Modeling of protein sequence and biophysical properties (such as structural, functional, and spatial information, amino acid conservation, physicochemical variation, residue mobility, and thermodynamic stability) indicates that this missense variant is not expected to disrupt BRCA1 protein function with a negative predictive value of 95%. In summary, the available evidence is currently insufficient to determine the role of this variant in disease. Therefore, it has been classified as a Variant of Uncertain Significance.

Ambry Genetics
Classification: Uncertain significance for Hereditary cancer-predisposing syndrome. Last evaluated: 2020-02-20. Review status: criteria provided, single submitter. Criteria: Ambry Variant Classification Scheme 2023. Collection method: clinical testing. Allele origin: germline.
Comment: The p.L1605M variant (also known as c.4813T>A), located in coding exon 14 of the BRCA1 gene, results from a T to A substitution at nucleotide position 4813. The leucine at codon 1605 is replaced by methionine, an amino acid with highly similar properties. Based on protein sequence alignment, this amino acid position is poorly conserved in available vertebrate species. In addition, the in silico prediction for this alteration is inconclusive. Since supporting evidence is limited at this time, the clinical significance of this alteration remains unclear.

NM_007294.4(BRCA1):c.4813T>A (p.Leu1605Met)

Gene: BRCA1 (BRCA1 DNA repair associated; minus strand). Cytogenetic location: 17q21.31.
Variant type: single nucleotide variant.
Coding change: c.4813T>A on transcript NM_007294.4 (MANE Select); coding-DNA position 4813, T replaced by A.
Protein change: p.Leu1605Met; replaces leucine 1605 with methionine.
Molecular consequence: missense variant. On other transcripts: non-coding transcript variant (1).
Genome position (GRCh38, 1-based): chr17:43,071,101, A>T on the plus strand (T>A on the coding strand, the complement: BRCA1 is on the minus strand). VCF-style: chr17-43071101-A-T. GRCh37 (hg19) VCF-style: chr17-41223118-A-T.
Other names: c.4807T>A, p.Leu1603Met (NM_001407631.1, NM_001407632.1, NM_001407633.1 and 14 more transcripts); c.4600T>A, p.Leu1534Met (NM_001407571.1, NM_001407894.1, NM_001407895.1 and 12 more transcripts); c.4804T>A, p.Leu1602Met (NM_001407644.1, NM_001407645.1); c.4879T>A, p.Leu1627Met (NM_001407581.1, NM_001407582.1); c.4801T>A, p.Leu1601Met (NM_001407646.1); c.4798T>A, p.Leu1600Met (NM_001407647.1); c.4876T>A, p.Leu1626Met (NM_001407583.1, NM_001407585.1, NM_001407587.1 and 1 more transcripts); c.4756T>A, p.Leu1586Met (NM_001407648.1); and 70 more; short protein forms L1605M, L1558M, L1626M, L501M, L1451M, L1476M, L1477M, L1493M.
Identifiers: ClinVar variation 185823 (VCV000185823.15), dbSNP rs80356833, ClinGen allele CA003034.
Genomic context (GRCh38, chr17:43,071,101, plus strand): 5'-ACCCAGCAGTATCAGTAGTATGAGCAGCAGCTGGACTCTGGGCAGATTCTGCAACTTTCA[A>T]TTGGGGAACTTTCAATGCAGAGGTTGAAGATGGTATGTTGCCAACACGAGCTGACTCTGG-3'
Protein context (NP_009225.1, residues 1595-1615): SSTSALKVPQ[Leu1605Met]KVAESAQSPA